The following is an entry in ClinVar:

ClinVar aggregate classification (germline): Uncertain significance (1 of 4 stars; one submission).

Conditions:
KBG syndrome (KBGS). Also called: ANKRD11-Related KBG Syndrome. Identifiers: Orphanet 2332, MedGen C0220687, MONDO:0007846, OMIM 148050.

Submission:

Labcorp Genetics (formerly Invitae), Labcorp
Classification: Uncertain significance for KBG syndrome. Last evaluated: 2023-12-13. Review status: criteria provided, single submitter. Criteria: Invitae Variant Classification Sherloc (09022015). Collection method: clinical testing. Allele origin: germline.
Comment: This sequence change replaces arginine, which is basic and polar, with isoleucine, which is neutral and non-polar, at codon 746 of the ANKRD11 protein (p.Arg746Ile). This variant is not present in population databases (gnomAD no frequency). This variant has not been reported in the literature in individuals affected with ANKRD11-related conditions. Advanced modeling of protein sequence and biophysical properties (such as structural, functional, and spatial information, amino acid conservation, physicochemical variation, residue mobility, and thermodynamic stability) performed at Invitae indicates that this missense variant is not expected to disrupt ANKRD11 protein function with a negative predictive value of 95%. In summary, the available evidence is currently insufficient to determine the role of this variant in disease. Therefore, it has been classified as a Variant of Uncertain Significance.

NM_013275.6(ANKRD11):c.2237G>T (p.Arg746Ile)

Gene: ANKRD11 (ankyrin repeat domain 11; minus strand). Cytogenetic location: 16q24.3.
Variant type: single nucleotide variant.
Coding change: c.2237G>T on transcript NM_013275.6 (MANE Select); coding-DNA position 2237, G replaced by T.
Protein change: p.Arg746Ile; replaces arginine 746 with isoleucine.
Molecular consequence: missense variant.
Genome position (GRCh38, 1-based): chr16:89,284,305, C>A on the plus strand (G>T on the coding strand, the complement: ANKRD11 is on the minus strand). VCF-style: chr16-89284305-C-A. GRCh37 (hg19) VCF-style: chr16-89350713-C-A.
Other names: c.2237G>T, p.Arg746Ile (NM_001256182.2, NM_001256183.2); short protein forms R746I.
Identifiers: ClinVar variation 2702821 (VCV002702821.3), dbSNP rs2151760898, ClinGen allele CA397162876.